The following is an entry in ClinVar:

ClinVar aggregate classification (germline): Uncertain significance (1 of 4 stars; one submission).

Conditions:
Intellectual developmental disorder, X-linked, syndromic, Hedera type. Also called: Syndromic X-linked intellectual disability Hedera type. Identifiers: Orphanet 93952, MedGen C1845543, MONDO:0010319, OMIM 300423.

Submission:

Neuberg Centre For Genomic Medicine, NCGM
Classification: Uncertain significance for Intellectual developmental disorder, X-linked, syndromic, Hedera type. Review status: criteria provided, single submitter. Criteria: ACMG Guidelines, 2015. Collection method: clinical testing. Allele origin: germline. Inheritance: X-linked inheritance. Affected: yes.
Comment: The missense c.365C>A (p.Pro122His) variant in ATP6AP2 gene has not been reported previously as a pathogenic variant nor as a benign variant, to our knowledge. The p.Pro122His variant is novel (not in any individuals) in gnomAD Exomes and 1000 Genomes. This variant has not been reported to the ClinVar database. The amino acid change p.Pro122His in ATP6AP2 is predicted as conserved by GERP++ and PhyloP across 100 vertebrates. The amino acid Pro at position 122 is changed to a His changing protein sequence and it might alter its composition and physico-chemical properties. For these reasons, this variant has been classified as Variant of Uncertain Significance (VUS).

NM_005765.3(ATP6AP2):c.365C>A (p.Pro122His)

Gene: ATP6AP2 (ATPase H+ transporting accessory protein 2; plus strand). Cytogenetic location: Xp11.4.
Variant type: single nucleotide variant.
Coding change: c.365C>A on transcript NM_005765.3 (MANE Select); coding-DNA position 365, C replaced by A.
Protein change: p.Pro122His; replaces proline 122 with histidine.
Molecular consequence: missense variant.
Genome position (GRCh38, 1-based): chrX:40,597,313, C>A. VCF-style: chrX-40597313-C-A. GRCh37 (hg19) VCF-style: chrX-40456565-C-A.
Other names: short protein forms P122H.
Identifiers: ClinVar variation 2664193 (VCV002664193.1), dbSNP rs2518964320, ClinGen allele CA412755385.